The following is an entry in ClinVar:

NM_006421.5(ARFGEF1):c.104A>G (p.Lys35Arg)

Gene: ARFGEF1 (ARF guanine nucleotide exchange factor 1; minus strand). Cytogenetic location: 8q13.2.
Variant type: single nucleotide variant.
Coding change: c.104A>G on transcript NM_006421.5 (MANE Select); coding-DNA position 104, A replaced by G.
Protein change: p.Lys35Arg; replaces lysine 35 with arginine.
Molecular consequence: missense variant. On other transcripts: 5 prime UTR variant (4), non-coding transcript variant (1).
Genome position (GRCh38, 1-based): chr8:67,343,184, T>C on the plus strand (A>G on the coding strand, the complement: ARFGEF1 is on the minus strand). VCF-style: chr8-67343184-T-C. GRCh37 (hg19) VCF-style: chr8-68255419-T-C.
Other names: c.104A>G, p.Lys35Arg (NM_001413184.1, NM_001413185.1, NM_001413186.1 and 7 more transcripts); c.-487A>G (NM_001413188.1); c.-533A>G (NM_001413193.1); c.-1012A>G (NM_001413196.1); c.-466A>G (NM_001413197.1); short protein forms K35R.
Identifiers: ClinVar variation 5020779 (VCV005020779.1).
Genomic context (GRCh38, chr8:67,343,184, plus strand): 5'-ACAACAAGCACCCCATCCCCCGGGCCTCCTCCCCGCTCACCTAACGCCACCTCGCAAGCT[T>C]TGCGCAGCTGGGAGTGATGCGCCTTCTTCACTTCCTTGTCGGCCAATATCTTCTCCAGAG-3'
Protein context (NP_006412.2, residues 25-45): VKKAHHSQLR[Lys35Arg]ACEVALEEIK

ClinVar aggregate classification (germline): Uncertain significance (1 of 4 stars; one submission).

gnomAD v4.1: 3 of 1,594,904 alleles (0.00019%); highest among the groups gnomAD compares: South Asian, 0.0011%; no homozygotes.

Submission:

Dasa
Classification: Uncertain significance. Last evaluated: 2025-12-02. Review status: criteria provided, single submitter. Criteria: DASA Assertion Criteria. Collection method: clinical testing. Allele origin: germline.
Comment: NM_006421.5(ARFGEF1):c.104A>G (p.Lys35Arg) is a missense variant that results in the substitution of lysine with arginine. This variant is rare in population databases. The currently available literature and clinical evidence are not sufficient to establish a definitive association between this variant and the reported condition. Therefore, this variant is classified as a variant of uncertain significance.